The following is an entry in ClinVar:

ClinVar aggregate classification (germline): Likely benign. Review status: criteria provided, single submitter (1 of 4 stars). 2 submissions from 2 submitters: Likely benign (1). 1 of the submissions does not count toward it. Last evaluated 2018-04-04.

Conditions:
NRXN2-related disorder. Also called: NRXN2-related condition.

Allele frequency attached by ClinVar (database versions not stated): gnomAD exomes 0.00003 and 0.00007; ExAC 0.00007; TOPMed 0.00019; gnomAD 0.00020 and 0.00021; ESP Exome Variant Server 0.00031; 1000 Genomes Project 30x 0.00062; 1000 Genomes Project 0.00080.
gnomAD v4.1: 80 of 1,614,136 alleles (0.005%); highest among the groups gnomAD compares: African/African-American, 0.087%; no homozygotes.

Submissions (2):

Labcorp Genetics (formerly Invitae), Labcorp
Classification: Likely benign. Last evaluated: 2018-04-04. Review status: criteria provided, single submitter. Criteria: Invitae Variant Classification Sherloc (09022015). Collection method: clinical testing. Allele origin: germline.

PreventionGenetics, part of Exact Sciences
Classification: Likely benign for NRXN2-related condition. Last evaluated: 2020-01-17. Review status: no assertion criteria provided. Collection method: clinical testing. Allele origin: germline. Not counted in ClinVar's aggregate classification.
Comment: This variant is classified as likely benign based on ACMG/AMP sequence variant interpretation guidelines (Richards et al. 2015 PMID: 25741868, with internal and published modifications).

NM_015080.4(NRXN2):c.2697T>G (p.Gly899=)

Gene: NRXN2 (neurexin 2; minus strand). Cytogenetic location: 11q13.1.
Variant type: single nucleotide variant.
Coding change: c.2697T>G on transcript NM_015080.4 (MANE Select); coding-DNA position 2697, T replaced by G.
Protein change: p.Gly899=; no amino-acid change (glycine 899 retained).
Molecular consequence: synonymous variant.
Genome position (GRCh38, 1-based): chr11:64,651,476, A>C on the plus strand (T>G on the coding strand, the complement: NRXN2 is on the minus strand). VCF-style: chr11-64651476-A-C. GRCh37 (hg19) VCF-style: chr11-64418948-A-C.
Other names: c.2697T>G, p.Gly899= (NM_001376262.1); c.2676T>G, p.Gly892= (NM_001376263.1, NM_001376267.1); c.2652T>G, p.Gly884= (NM_001376265.1); c.2673T>G, p.Gly891= (NM_001376266.1); c.2577T>G, p.Gly859= (NM_138732.3); c.2697T>G (NM_015080.3).
Identifiers: ClinVar variation 734619 (VCV000734619.5), dbSNP rs201511158, ClinGen allele CA6078107.